The following is an entry in ClinVar:

NM_001206927.2(DNAH8):c.13838A>T (p.Glu4613Val)

Gene: DNAH8 (dynein axonemal heavy chain 8; plus strand). Cytogenetic location: 6p21.2.
Variant type: single nucleotide variant.
Coding change: c.13838A>T on transcript NM_001206927.2 (MANE Select); coding-DNA position 13838, A replaced by T.
Protein change: p.Glu4613Val; replaces glutamic acid 4613 with valine.
Molecular consequence: missense variant.
Genome position (GRCh38, 1-based): chr6:39,030,106, A>T. VCF-style: chr6-39030106-A-T. GRCh37 (hg19) VCF-style: chr6-38997882-A-T.
Other names: c.13187A>T, p.Glu4396Val (NM_001371.4); short protein forms E4613V, E4396V.
Identifiers: ClinVar variation 851798 (VCV000851798.9), dbSNP rs375455553, ClinGen allele CA3791804.

ClinVar aggregate classification (germline): Uncertain significance. Review status: criteria provided, multiple submitters, no conflicts (2 of 4 stars). 2 submissions from 2 submitters: Uncertain significance (2). Last evaluated 2023-04-24.

Conditions:
Primary ciliary dyskinesia. Also called: Ciliary dyskinesia. Identifiers: Orphanet 244, MedGen C0008780, MONDO:0016575, HP:0012265.

Allele frequency attached by ClinVar (database versions not stated): TOPMed 0.00001; ExAC 0.00002; ESP Exome Variant Server 0.00008.
gnomAD v4.1: 27 of 1,610,050 alleles (0.0017%); highest among the groups gnomAD compares: Non-Finnish European, 0.0021%; no homozygotes.

Submissions (2):

Ambry Genetics
Classification: Uncertain significance. Last evaluated: 2023-04-24. Review status: criteria provided, single submitter. Criteria: Ambry Variant Classification Scheme 2023. Collection method: clinical testing. Allele origin: germline.

Labcorp Genetics (formerly Invitae), Labcorp
Classification: Uncertain significance for Primary ciliary dyskinesia. Last evaluated: 2022-07-05. Review status: criteria provided, single submitter. Criteria: Invitae Variant Classification Sherloc (09022015). Collection method: clinical testing. Allele origin: germline.
Comment: This sequence change replaces glutamic acid, which is acidic and polar, with valine, which is neutral and non-polar, at codon 4613 of the DNAH8 protein (p.Glu4613Val). This variant is present in population databases (rs375455553, gnomAD 0.005%). This variant has not been reported in the literature in individuals affected with DNAH8-related conditions. ClinVar contains an entry for this variant (Variation ID: 851798). Algorithms developed to predict the effect of missense changes on protein structure and function are either unavailable or do not agree on the potential impact of this missense change (SIFT: "Deleterious"; PolyPhen-2: "Not Available"; Align-GVGD: "Class C0"). Algorithms developed to predict the effect of sequence changes on RNA splicing suggest that this variant may create or strengthen a splice site. In summary, the available evidence is currently insufficient to determine the role of this variant in disease. Therefore, it has been classified as a Variant of Uncertain Significance.